The following is an entry in ClinVar:

NM_020792.6(NCEH1):c.1161C>T (p.Pro387=)

Gene: NCEH1 (neutral cholesterol ester hydrolase 1; minus strand). Cytogenetic location: 3q26.31.
Variant type: single nucleotide variant.
Coding change: c.1161C>T on transcript NM_020792.6 (MANE Select); coding-DNA position 1161, C replaced by T.
Protein change: p.Pro387=; no amino-acid change (proline 387 retained).
Molecular consequence: synonymous variant.
Genome position (GRCh38, 1-based): chr3:172,633,541, G>A on the plus strand (C>T on the coding strand, the complement: NCEH1 is on the minus strand). VCF-style: chr3-172633541-G-A. GRCh37 (hg19) VCF-style: chr3-172351331-G-A.
Other names: c.1185C>T, p.Pro395= (NM_001146276.3); c.762C>T, p.Pro254= (NM_001146277.3, NM_001146278.3).
Identifiers: ClinVar variation 3777779 (VCV003777779.7).
Genomic context (GRCh38, chr3:172,633,541, plus strand): 5'-GTTTTGATCTAGCCACTTGATGTAACTATTCCTAGTCCGGATTCCCACTGAGAAGTTGGT[G>A]GGCCAGCTAGTGAAAATCATACATCCGTGAAAGCCATCCTCAAAGTGATCCAGGGTCACC-3'
Protein context (NP_065843.4, residues 377-397): FHGCMIFTSW[Pro387=]TNFSVGIRTR

ClinVar aggregate classification (germline): Likely benign (1 of 4 stars; one submission).

gnomAD v4.1: 7,833 of 1,613,970 alleles (0.49%); highest among the groups gnomAD compares: Non-Finnish European, 0.62%; 20 homozygotes.

Submission:

CeGaT Center for Human Genetics Tuebingen
Classification: Likely benign. Last evaluated: 2025-03-01. Review status: criteria provided, single submitter. Criteria: CeGaT Center For Human Genetics Tuebingen Variant Classification Criteria Version 2. Collection method: clinical testing. Allele origin: germline. Affected: yes. Observed: 1 variant allele.
Comment: NCEH1: BP4, BP7, BS2